The following is an entry in ClinVar:

NM_024649.5(BBS1):c.1641C>G (p.Pro547=)

Genes: BBS1 (Bardet-Biedl syndrome 1; plus strand), ZDHHC24 (zDHHC palmitoyltransferase 24; minus strand). Cytogenetic location: 11q13.2.
Variant type: single nucleotide variant.
Coding change: c.1641C>G on transcript NM_024649.5 (MANE Select); coding-DNA position 1641, C replaced by G.
Protein change: p.Pro547=; no amino-acid change (proline 547 retained).
Molecular consequence: synonymous variant. On other transcripts: intron variant (1).
Genome position (GRCh38, 1-based): chr11:66,531,688, C>G. VCF-style: chr11-66531688-C-G. GRCh37 (hg19) VCF-style: chr11-66299159-C-G.
Other names: c.560-2200G>C (NM_001348571.2).
Identifiers: ClinVar variation 1151987 (VCV001151987.10), dbSNP rs770947454, ClinGen allele CA6123847.

ClinVar aggregate classification (germline): Likely benign. Review status: criteria provided, single submitter (1 of 4 stars). 2 submissions from 2 submitters: Likely benign (1). 1 of the submissions does not count toward it. Last evaluated 2024-03-14.

Conditions:
BBS1-related disorder. Also called: BBS1-related condition.
Bardet-Biedl syndrome (BBS). Identifiers: Orphanet 110, MedGen C0752166, MONDO:0015229.

Allele frequency attached by ClinVar (database versions not stated): TOPMed 0.00001.
gnomAD v4.1: 15 of 1,614,100 alleles (0.00093%); highest among the groups gnomAD compares: Admixed American, 0.017%; no homozygotes.

Submissions (2):

Labcorp Genetics (formerly Invitae), Labcorp
Classification: Likely benign for Bardet-Biedl syndrome. Last evaluated: 2024-03-14. Review status: criteria provided, single submitter. Criteria: Invitae Variant Classification Sherloc (09022015). Collection method: clinical testing. Allele origin: germline.

PreventionGenetics, part of Exact Sciences
Classification: Likely benign for BBS1-related condition. Last evaluated: 2022-11-21. Review status: no assertion criteria provided. Collection method: clinical testing. Allele origin: germline. Not counted in ClinVar's aggregate classification.
Comment: This variant is classified as likely benign based on ACMG/AMP sequence variant interpretation guidelines (Richards et al. 2015 PMID: 25741868, with internal and published modifications).